The following is an entry in ClinVar:

ClinVar aggregate classification (germline): Uncertain significance (1 of 4 stars; one submission).

Conditions:
Hajdu-Cheney syndrome (HJCYS). Also called: ACROOSTEOLYSIS WITH OSTEOPOROSIS AND CHANGES IN SKULL AND MANDIBLE; Acroosteolysis dominant type; SERPENTINE FIBULA-POLYCYSTIC KIDNEY SYNDROME. Identifiers: Orphanet 955, MedGen C0917715, MONDO:0007057, OMIM 102500.

Submission:

Labcorp Genetics (formerly Invitae), Labcorp
Classification: Uncertain significance for Hajdu-Cheney syndrome. Last evaluated: 2024-04-15. Review status: criteria provided, single submitter. Criteria: Invitae Variant Classification Sherloc (09022015). Collection method: clinical testing. Allele origin: germline.
Comment: This sequence change falls in intron 12 of the NOTCH2 gene. It does not directly change the encoded amino acid sequence of the NOTCH2 protein. It affects a nucleotide within the consensus splice site. This variant is not present in population databases (gnomAD no frequency). This variant has not been reported in the literature in individuals affected with NOTCH2-related conditions. Variants that disrupt the consensus splice site are a relatively common cause of aberrant splicing (PMID: 17576681, 9536098). Algorithms developed to predict the effect of sequence changes on RNA splicing suggest that this variant is not likely to affect RNA splicing. In summary, the available evidence is currently insufficient to determine the role of this variant in disease. Therefore, it has been classified as a Variant of Uncertain Significance.

Literature cited by the submitters: PubMed 17576681; PubMed 9536098.

NM_024408.4(NOTCH2):c.2026+2_2026+3dup

Gene: NOTCH2 (notch receptor 2; minus strand). Cytogenetic location: 1p12.
Variant type: Duplication.
Coding change: c.2026+2_2026+3dup on transcript NM_024408.4 (MANE Select); the canonical splice donor site of the intron after coding-DNA position 2026 through 3 bases into the intron after coding-DNA position 2026, 2 bases duplicated (TA; older notation c.2026+2_2026+3dupTA).
Molecular consequence: splice donor variant.
Genome position (GRCh38, 1-based): chr1:119,959,389-119,959,390, TA duplicated on the plus strand (TA on the coding strand, the reverse complement: NOTCH2 is on the minus strand). VCF-style (leftmost placement, unchanged base first): chr1-119959388-T-TTA. GRCh37 (hg19) VCF-style: chr1-120502011-T-TTA.
Other names: c.2026+2_2026+3dup (NM_001200001.2).
Identifiers: ClinVar variation 3649407 (VCV003649407.2).
Genomic context (GRCh38, chr1:119,959,388, plus strand): 5'-TTGGATGCTATATTCCCAAAGTGATAGGGCTGAAGGAGGGGCCTTGCAGTAAAAGGAGCT[T>TTA]TACCTGTGAATCCTGGTGAGCAGACACAACTGTAGCGATTAATGCCATCCATACAGATTC-3'